The following is an entry in ClinVar:

ClinVar aggregate classification (germline): Uncertain significance (1 of 4 stars; one submission).

Conditions:
Familial thoracic aortic aneurysm and aortic dissection (TAAD). Also called: Thoracic aortic aneurysms and dissections. Identifiers: Orphanet 91387, MedGen C4707243, MONDO:0019625.

Submission:

Color Diagnostics, LLC DBA Color Health
Classification: Uncertain significance for Familial thoracic aortic aneurysm and aortic dissection. Last evaluated: 2025-07-20. Review status: criteria provided, single submitter. Criteria: ACMG Guidelines, 2015. Collection method: clinical testing. Allele origin: germline.
Comment: This missense variant replaces histidine with glutamine at codon 1075 of the MYH11 protein. Computational prediction suggests that this variant may not impact protein structure and function. To our knowledge, functional studies have not been reported for this variant. This variant has not been reported in individuals affected with MYH11-related disorders in the literature. This variant has not been identified in the general population by the Genome Aggregation Database (gnomAD). The available evidence is insufficient to determine the role of this variant in disease conclusively. Therefore, this variant is classified as a Variant of Uncertain Significance.

NM_002474.3(MYH11):c.3204C>G (p.His1068Gln)

Gene: MYH11 (myosin heavy chain 11; minus strand). Cytogenetic location: 16p13.11.
Variant type: single nucleotide variant.
Coding change: c.3204C>G on transcript NM_002474.3 (MANE Select); coding-DNA position 3204, C replaced by G.
Protein change: p.His1068Gln; replaces histidine 1068 with glutamine.
Molecular consequence: missense variant.
Genome position (GRCh38, 1-based): chr16:15,737,538, G>C on the plus strand (C>G on the coding strand, the complement: MYH11 is on the minus strand). VCF-style: chr16-15737538-G-C. GRCh37 (hg19) VCF-style: chr16-15831395-G-C.
Other names: c.3225C>G, p.His1075Gln (NM_001040113.2, NM_001040114.2); c.3204C>G, p.His1068Gln (NM_022844.3); short protein forms H1068Q, H1075Q.
Identifiers: ClinVar variation 4759013 (VCV004759013.1).
Genomic context (GRCh38, chr16:15,737,538, plus strand): 5'-CTTCTTGGCCAGCTGCATCTTGAGCTCTGCGATCTGCGCCTGGAGGTCAGCGATCTGCTC[G>C]TGGAAGTCGCTGGCATCACCCTCCAGCTTCCGTTTCAGCTTCTCCAGCTCCTGTCGGCTC-3'
Protein context (NP_002465.1, residues 1058-1078): RKLEGDASDF[His1068Gln]EQIADLQAQI